The following is an entry in ClinVar:

ClinVar aggregate classification (germline): Pathogenic (1 of 4 stars; one submission).

Conditions:
Hyperinsulinemic hypoglycemia, familial, 1 (HHF1). Also called: HYPERINSULINISM, FAMILIAL, WITH PANCREATIC NESIDIOBLASTOSIS; HYPOGLYCEMIA, HYPERINSULINEMIC, OF INFANCY; NESIDIOBLASTOSIS OF PANCREAS; Persistent Hyperinsulinemia Hypoglycemia of Infancy; Persistent hyperinsulinemic hypoglycemia of infancy. Identifiers: Orphanet 276575, Orphanet 276598, MedGen C2931832, MONDO:0009734, OMIM 256450.

Submission:

Myriad Genetics, Inc.
Classification: Pathogenic for Hyperinsulinemic hypoglycemia, familial, 1. Last evaluated: 2025-02-03. Review status: criteria provided, single submitter. Criteria: Myriad Autosomal Dominant, Autosomal Recessive and X-Linked Classification Criteria (2023). Collection method: clinical testing. Allele origin: unknown.
Comment: NM_000352.3(ABCC8):c.3499_3502delCTCTinsTC(L1167Sfs*26) is expected to be pathogenic in the context of familial hyperinsulinism, ABCC8-related. This variant is predicted to lead to an abnormal or absent protein product due to the creation of a premature termination codon in ABCC8, a gene where loss-of-function variants are known to be pathogenic. Please note: this variant was assessed in the context of healthy population screening.

NM_000352.6(ABCC8):c.3499_3502delinsTC (p.Leu1167fs)

Gene: ABCC8 (ATP binding cassette subfamily C member 8; minus strand). Cytogenetic location: 11p15.1.
Variant type: Indel.
Coding change: c.3499_3502delinsTC on transcript NM_000352.6 (MANE Select); coding-DNA positions 3499 to 3502, CTCT replaced by TC.
Protein change: p.Leu1167fs; shifts the reading frame from leucine 1167.
Molecular consequence: frameshift variant. On other transcripts: non-coding transcript variant (1).
Genome position (GRCh38, 1-based): chr11:17,404,567-17,404,570, AGAG replaced by GA on the plus strand (CTCT replaced by TC on the coding strand, the reverse complement: ABCC8 is on the minus strand). VCF-style: chr11-17404567-AGAG-GA. GRCh37 (hg19) VCF-style: chr11-17426114-AGAG-GA.
Other names: c.3502_3505delinsTC, p.Leu1168fs (NM_001287174.3); c.3565_3568delinsTC, p.Leu1189fs (NM_001351295.2); c.3499_3502delinsTC, p.Leu1167fs (NM_001351296.2); c.3496_3499delinsTC, p.Leu1166fs (NM_001351297.2); short protein forms L1166fs, L1167fs, L1168fs, L1189fs.
Identifiers: ClinVar variation 5014053 (VCV005014053.1).